The following is an entry in ClinVar:

NM_000368.5(TSC1):c.*3729G>T

Gene: TSC1 (TSC complex subunit 1; minus strand). Cytogenetic location: 9q34.13.
Variant type: single nucleotide variant.
Coding change: c.*3729G>T on transcript NM_000368.5 (MANE Select); 3729 bases downstream of the stop codon, G replaced by T.
Molecular consequence: 3 prime UTR variant.
Genome position (GRCh38, 1-based): chr9:132,892,506, C>A on the plus strand (G>T on the coding strand, the complement: TSC1 is on the minus strand). VCF-style: chr9-132892506-C-A. GRCh37 (hg19) VCF-style: chr9-135767893-C-A.
Other names: c.*3729G>T (NM_001162426.2, NM_001162427.2, NM_001362177.2).
Identifiers: ClinVar variation 365413 (VCV000365413.5), dbSNP rs543396172, ClinGen allele CA10626658.

ClinVar aggregate classification (germline): Benign. Review status: criteria provided, single submitter (1 of 4 stars). 2 submissions from 1 submitter: Benign (2). Last evaluated 2018-01-13.

Conditions:
Tuberous sclerosis 1 (TSC1). Identifiers: Orphanet 805, MedGen C1854465, MONDO:0008612, OMIM 191100.
Isolated focal cortical dysplasia type II (FCORD2). Also called: CORTICAL DYSPLASIA OF TAYLOR; Focal cortical dysplasia type II. Identifiers: Orphanet 268994, MedGen C1846385, MONDO:0011818, OMIM 607341, HP:0032051.

Allele frequency attached by ClinVar (database versions not stated): gnomAD exomes 0.00055; TOPMed 0.00284; gnomAD 0.00309; 1000 Genomes Project 0.00359; 1000 Genomes Project 30x 0.00406.
gnomAD v4.1: 449 of 233,350 alleles (0.19%); highest among the groups gnomAD compares: African/African-American, 0.92%; 3 homozygotes.

Submissions (2):

Illumina Laboratory Services, Illumina
Classification: Benign for Isolated focal cortical dysplasia type II. Last evaluated: 2018-01-13. Review status: criteria provided, single submitter. Criteria: ICSL Variant Classification Criteria 13 December 2019. Collection method: clinical testing. Allele origin: germline.
Comment: This variant was observed in the ICSL laboratory as part of a predisposition screen in an ostensibly healthy population. It had not been previously curated by ICSL or reported in the Human Gene Mutation Database (HGMD: prior to June 1st, 2018), and was therefore a candidate for classification through an automated scoring system. Utilizing variant allele frequency, disease prevalence and penetrance estimates, and inheritance mode, an automated score was calculated to assess if this variant is too frequent to cause the disease. Based on the score and internal cut-off values, a variant classified as benign is not then subjected to further curation. The score for this variant resulted in a classification of benign for this disease.

Illumina Laboratory Services, Illumina
Classification: Benign for Tuberous sclerosis 1. Last evaluated: 2018-01-13. Review status: criteria provided, single submitter. Criteria: ICSL Variant Classification Criteria 13 December 2019. Collection method: clinical testing. Allele origin: germline.
Comment: the same text as in the submission from Illumina Laboratory Services, Illumina above.